The following is an entry in ClinVar:

ClinVar aggregate classification (germline): Conflicting classifications of pathogenicity. Review status: criteria provided, conflicting classifications (1 of 4 stars). 8 submissions from 8 submitters: Uncertain significance (2); Benign (2); Likely benign (3). 1 of the submissions does not count toward it. Last evaluated 2026-01-22.

Conditions:
CCDC40-related disorder. Also called: CCDC40-related condition.
Primary ciliary dyskinesia 15. Also called: CILIARY DYSKINESIA, PRIMARY, 15, WITH OR WITHOUT SITUS INVERSUS. Identifiers: Orphanet 244, MedGen C3151137, MONDO:0013435, OMIM 613808.
Primary ciliary dyskinesia. Also called: Ciliary dyskinesia. Identifiers: Orphanet 244, MedGen C0008780, MONDO:0016575, HP:0012265.

Allele frequency attached by ClinVar (database versions not stated): 1000 Genomes Project 30x 0.00109; 1000 Genomes Project 0.00120; TOPMed 0.00165; ExAC 0.00179; gnomAD exomes 0.00186 and 0.00338; gnomAD 0.00196 and 0.00200; ESP Exome Variant Server 0.00198.
gnomAD v4.1: 5,148 of 1,614,206 alleles (0.32%); highest among the groups gnomAD compares: Non-Finnish European, 0.4%; 5 homozygotes.

Submissions (8):

Labcorp Genetics (formerly Invitae), Labcorp
Classification: Benign for Primary ciliary dyskinesia. Last evaluated: 2026-01-22. Review status: criteria provided, single submitter. Criteria: Invitae Variant Classification Sherloc (09022015). Collection method: clinical testing. Allele origin: germline.

GeneDx
Classification: Uncertain significance. Last evaluated: 2025-05-08. Review status: criteria provided, single submitter. Criteria: GeneDx Variant Classification Process June 2021. Collection method: clinical testing. Allele origin: germline. Affected: yes.
Comment: In silico analysis suggests that this missense variant does not alter protein structure/function; Has not been previously published as pathogenic or benign to our knowledge

Blueprint Genetics
Classification: Likely benign. Last evaluated: 2024-11-26. Review status: criteria provided, single submitter. Criteria: ACMG Guidelines, 2015. Collection method: clinical testing. Allele origin: germline.

CeGaT Center for Human Genetics Tuebingen
Classification: Likely benign. Last evaluated: 2024-08-01. Review status: criteria provided, single submitter. Criteria: CeGaT Center For Human Genetics Tuebingen Variant Classification Criteria Version 2. Collection method: clinical testing. Allele origin: germline. Affected: yes. Observed: 1 variant allele.
Comment: CCDC40: BP4, BS2

Illumina Laboratory Services, Illumina
Classification: Uncertain significance for Primary ciliary dyskinesia 15. Last evaluated: 2018-01-12. Review status: criteria provided, single submitter. Criteria: ICSL Variant Classification Criteria 13 December 2019. Collection method: clinical testing. Allele origin: germline.

Ambry Genetics
Classification: Benign for Primary ciliary dyskinesia. Last evaluated: 2017-02-07. Review status: criteria provided, single submitter. Criteria: Ambry Variant Classification Scheme 2023. Collection method: clinical testing. Allele origin: germline.

Laboratory for Molecular Medicine, Mass General Brigham Personalized Medicine
Classification: Likely benign. Last evaluated: 2016-06-20. Review status: criteria provided, single submitter. Criteria: LMM Criteria. Collection method: clinical testing. Allele origin: germline. Observed: 1 variant allele.
Comment: p.Thr558Arg in exon 11 of CCDC40: This variant is not expected to have clinical significance because it has been identified in 0.5% (35/6606) of Finnish chromos omes by the Exome Aggregation Consortium (ExAC; dbSNP rs191736683).

PreventionGenetics, part of Exact Sciences
Classification: Likely benign for CCDC40-related condition. Last evaluated: 2020-03-03. Review status: no assertion criteria provided. Collection method: clinical testing. Allele origin: germline. Not counted in ClinVar's aggregate classification.
Comment: This variant is classified as likely benign based on ACMG/AMP sequence variant interpretation guidelines (Richards et al. 2015 PMID: 25741868, with internal and published modifications).

NM_017950.4(CCDC40):c.1673C>G (p.Thr558Arg)

Gene: CCDC40 (coiled-coil domain 40 molecular ruler complex subunit; plus strand). Cytogenetic location: 17q25.3.
Variant type: single nucleotide variant.
Coding change: c.1673C>G on transcript NM_017950.4 (MANE Select); coding-DNA position 1673, C replaced by G.
Protein change: p.Thr558Arg; replaces threonine 558 with arginine.
Molecular consequence: missense variant.
Genome position (GRCh38, 1-based): chr17:80,081,656, C>G. VCF-style: chr17-80081656-C-G. GRCh37 (hg19) VCF-style: chr17-78055455-C-G.
Other names: c.1673C>G, p.Thr558Arg (NM_001243342.2); short protein forms T558R.
Identifiers: ClinVar variation 215523 (VCV000215523.52), dbSNP rs191736683, ClinGen allele CA335826.
Genomic context (GRCh38, chr17:80,081,656, plus strand): 5'-AGAAATCCATCATGAAGGAGGAAGAAAAGAACGAGAAGCTGGCGAGCATCCTGAACCGGA[C>G]AGAGACGGAAGCCACACTGCTGCAGAAGCTCACCACCCAGTGCCTGACCAAGCAGGTGGC-3'
Protein context (NP_060420.2, residues 548-568): NEKLASILNR[Thr558Arg]ETEATLLQKL